The following is an entry in ClinVar:

ClinVar aggregate classification (germline): Likely pathogenic (1 of 4 stars; one submission).

Submission:

Mayo Clinic Laboratories, Mayo Clinic
Classification: Likely pathogenic. Last evaluated: 2024-06-11. Review status: criteria provided, single submitter. Criteria: ACMG Guidelines, 2015. Collection method: clinical testing. Allele origin: germline. Observed: 1 variant allele.
Comment: PM2_moderate, PVS1

NM_001142864.4(PIEZO1):c.4608_4615dup (p.Met1539fs)

Gene: PIEZO1 (piezo type mechanosensitive ion channel component 1 (Er blood group); minus strand). Cytogenetic location: 16q24.3.
Variant type: Microsatellite.
Coding change: c.4608_4615dup on transcript NM_001142864.4 (MANE Select); coding-DNA positions 4608 to 4615, 8 bases duplicated (CGGCACCA; older notation c.4608_4615dupCGGCACCA).
Protein change: p.Met1539fs; shifts the reading frame from methionine 1539.
Molecular consequence: frameshift variant.
Genome position (GRCh38, 1-based): chr16:88,722,890-88,722,897, TGGTGCCG duplicated on the plus strand (CGGCACCA on the coding strand, the reverse complement: PIEZO1 is on the minus strand); duplicating any 8 consecutive bases within chr16:88,722,890-88,722,905 gives the same sequence; the c. name uses the placement nearest the transcript's 3' end. VCF-style (leftmost placement, unchanged base first): chr16-88722889-A-ATGGTGCCG. GRCh37 (hg19) VCF-style: chr16-88789297-A-ATGGTGCCG.
Other names: p.Met1539Thrfs*4; short protein forms M1539fs.
Identifiers: ClinVar variation 3381148 (VCV003381148.1).
Genomic context (GRCh38, chr16:88,722,889, plus strand): 5'-AGGCTCACCTGCAGGAGCTCCTGTGTGAGGAGGTAGCGCTCTGCCCGCAGCACGTCGCTC[A>ATGGTGCCG]TGGTGCCGTGGTGCCGGGTGAACTCCTGCAGCCAGCGTGTCAGCTCATCCACTAGCGCCT-3'